The following is an entry in ClinVar:

ClinVar aggregate classification (germline): Uncertain significance (1 of 4 stars; one submission).

Allele frequency attached by ClinVar (database versions not stated): gnomAD exomes below 0.00001; ExAC 0.00001; gnomAD 0.00001; TOPMed 0.00001.
gnomAD v4.1: 9 of 1,611,140 alleles (0.00056%); highest among the groups gnomAD compares: South Asian, 0.0022%; no homozygotes.

Submission:

Labcorp Genetics (formerly Invitae), Labcorp
Classification: Uncertain significance. Last evaluated: 2024-10-30. Review status: criteria provided, single submitter. Criteria: Invitae Variant Classification Sherloc (09022015). Collection method: clinical testing. Allele origin: germline.
Comment: This sequence change replaces valine, which is neutral and non-polar, with isoleucine, which is neutral and non-polar, at codon 557 of the SLCO5A1 protein (p.Val557Ile). This variant is present in population databases (rs764780729, gnomAD 0.003%). This variant has not been reported in the literature in individuals affected with SLCO5A1-related conditions. ClinVar contains an entry for this variant (Variation ID: 2986745). An algorithm developed to predict the effect of missense changes on protein structure and function (PolyPhen-2) suggests that this variant is likely to be tolerated. In summary, the available evidence is currently insufficient to determine the role of this variant in disease. Therefore, it has been classified as a Variant of Uncertain Significance.

NM_030958.3(SLCO5A1):c.1669G>A (p.Val557Ile)

Gene: SLCO5A1 (solute carrier organic anion transporter family member 5A1; minus strand). Cytogenetic location: 8q13.3.
Variant type: single nucleotide variant.
Coding change: c.1669G>A on transcript NM_030958.3 (MANE Select); coding-DNA position 1669, G replaced by A.
Protein change: p.Val557Ile; replaces valine 557 with isoleucine.
Molecular consequence: missense variant.
Genome position (GRCh38, 1-based): chr8:69,682,297, C>T on the plus strand (G>A on the coding strand, the complement: SLCO5A1 is on the minus strand). VCF-style: chr8-69682297-C-T. GRCh37 (hg19) VCF-style: chr8-70594532-C-T.
Other names: c.1669G>A, p.Val557Ile (NM_001146008.2); c.1504G>A, p.Val502Ile (NM_001146009.1); short protein forms V502I, V557I.
Identifiers: ClinVar variation 2986745 (VCV002986745.3), dbSNP rs764780729, ClinGen allele CA4776516.